The following is an entry in ClinVar:

NM_001110556.2(FLNA):c.2243C>T (p.Ser748Phe)

Gene: FLNA (filamin A; minus strand). Cytogenetic location: Xq28.
Variant type: single nucleotide variant.
Coding change: c.2243C>T on transcript NM_001110556.2 (MANE Select); coding-DNA position 2243, C replaced by T.
Protein change: p.Ser748Phe; replaces serine 748 with phenylalanine.
Molecular consequence: missense variant.
Genome position (GRCh38, 1-based): chrX:154,364,059, G>A on the plus strand (C>T on the coding strand, the complement: FLNA is on the minus strand). VCF-style: chrX-154364059-G-A. GRCh37 (hg19) VCF-style: chrX-153592427-G-A.
Other names: c.2243C>T, p.Ser748Phe (NM_001456.4); short protein forms S748F.
Identifiers: ClinVar variation 4789593 (VCV004789593.1).

ClinVar aggregate classification (germline): Uncertain significance (1 of 4 stars; one submission).

Conditions:
Heterotopia, periventricular, X-linked dominant (PVNH1). Also called: PERIVENTRICULAR NODULAR HETEROTOPIA 4; HETEROTOPIA, PERIVENTRICULAR, 1; PERIVENTRICULAR NODULAR HETEROTOPIA 1; X-linked periventricular heterotopia. Identifiers: Orphanet 2149, Orphanet 82004, MedGen C1848213, MONDO:0010233, OMIM 300049.
Oto-palato-digital syndrome, type II (OPD2). Also called: Otopalatodigital Syndrome, Type II; FACIOPALATOOSSEOUS SYNDROME; OPD II SYNDROME; Otopalatodigital Syndrome Type 2 (FLNA-OPD2). Identifiers: Orphanet 669, Orphanet 90652, MedGen C1844696, MONDO:0010571, OMIM 304120.
Melnick-Needles syndrome (MNS). Also called: MELNICK-NEEDLES OSTEODYSPLASTY; OSTEODYSPLASTY OF MELNICK AND NEEDLES; Melnick-Needles Syndrome (FLNA-MNS). Identifiers: Orphanet 2484, MedGen C0025237, MONDO:0010650, OMIM 309350.
Frontometaphyseal dysplasia (FMD1). Identifiers: Orphanet 1826, MedGen C0265293, MONDO:0015942.

gnomAD v4.1: 1 of 1,211,373 alleles (0.000083%); highest among the groups gnomAD compares: Non-Finnish European, 0.00011%; no homozygotes.

Submission:

Labcorp Genetics (formerly Invitae), Labcorp
Classification: Uncertain significance for Oto-palato-digital syndrome, type II; Heterotopia, periventricular, X-linked dominant; Frontometaphyseal dysplasia; Melnick-Needles syndrome. Last evaluated: 2025-11-17. Review status: criteria provided, single submitter. Criteria: Invitae Variant Classification Sherloc (09022015). Collection method: clinical testing. Allele origin: germline.
Comment: This sequence change replaces serine, which is neutral and polar, with phenylalanine, which is neutral and non-polar, at codon 748 of the FLNA protein (p.Ser748Phe). This variant is not present in population databases (gnomAD no frequency). This variant has not been reported in the literature in individuals affected with FLNA-related conditions. Invitae Evidence Modeling of protein sequence and biophysical properties (such as structural, functional, and spatial information, amino acid conservation, physicochemical variation, residue mobility, and thermodynamic stability) indicates that this missense variant is not expected to disrupt FLNA protein function with a negative predictive value of 95%. In summary, the available evidence is currently insufficient to determine the role of this variant in disease. Therefore, it has been classified as a Variant of Uncertain Significance.